The following is an entry in ClinVar:

NM_001371986.1(UNC80):c.8461A>G (p.Ser2821Gly)

Gene: UNC80 (unc-80 subunit of NALCN channel complex; plus strand). Cytogenetic location: 2q34.
Variant type: single nucleotide variant.
Coding change: c.8461A>G on transcript NM_001371986.1 (MANE Select); coding-DNA position 8461, A replaced by G.
Protein change: p.Ser2821Gly; replaces serine 2821 with glycine.
Molecular consequence: missense variant.
Genome position (GRCh38, 1-based): chr2:209,973,144, A>G. VCF-style: chr2-209973144-A-G. GRCh37 (hg19) VCF-style: chr2-210837868-A-G.
Other names: c.8263A>G, p.Ser2755Gly (NM_032504.2); c.8248A>G, p.Ser2750Gly (NM_182587.4); short protein forms S2755G, S2750G, S2821G.
Identifiers: ClinVar variation 597542 (VCV000597542.8), dbSNP rs201695718, ClinGen allele CA2083567.
Genomic context (GRCh38, chr2:209,973,144, plus strand): 5'-CCTGAGGTGCAGCTGCTGCTGCAGACAGTCATCAATGTACTCCTCCCACCGCGGATCATC[A>G]GCACATCCAGGAGCAAGAACTTCATGTTAGAGAGCTCCCCAGCCCACTGCTCCACCCCTG-3'
Protein context (NP_001358915.1, residues 2811-2831): INVLLPPRII[Ser2821Gly]TSRSKNFMLE

ClinVar aggregate classification (germline): Uncertain significance. Review status: criteria provided, multiple submitters, no conflicts (2 of 4 stars). 3 submissions from 3 submitters: Uncertain significance (3). Last evaluated 2022-05-27.

Conditions:
Hypotonia, infantile, with psychomotor retardation and characteristic facies 2 (IHPRF2). Also called: UNC80 Deficiency. Identifiers: Orphanet 371364, Orphanet 700333, MedGen C4225203, MONDO:0014777, OMIM 616801.

Allele frequency attached by ClinVar (database versions not stated): gnomAD 0.00014 and 0.00012; TOPMed 0.00016; gnomAD exomes 0.00035 and 0.00008; ESP Exome Variant Server 0.00044; ExAC 0.00014.
gnomAD v4.1: 503 of 1,551,468 alleles (0.032%); highest among the groups gnomAD compares: Non-Finnish European, 0.042%; no homozygotes.

Submissions (3):

Labcorp Genetics (formerly Invitae), Labcorp
Classification: Uncertain significance. Last evaluated: 2022-05-27. Review status: criteria provided, single submitter. Criteria: Invitae Variant Classification Sherloc (09022015). Collection method: clinical testing. Allele origin: germline.
Comment: This sequence change replaces serine, which is neutral and polar, with glycine, which is neutral and non-polar, at codon 2755 of the UNC80 protein (p.Ser2755Gly). This variant is present in population databases (rs201695718, gnomAD 0.02%). This variant has not been reported in the literature in individuals affected with UNC80-related conditions. ClinVar contains an entry for this variant (Variation ID: 597542). Algorithms developed to predict the effect of missense changes on protein structure and function are either unavailable or do not agree on the potential impact of this missense change (SIFT: "Not Available"; PolyPhen-2: "Probably Damaging"; Align-GVGD: "Not Available"). In summary, the available evidence is currently insufficient to determine the role of this variant in disease. Therefore, it has been classified as a Variant of Uncertain Significance.

Baylor Genetics
Classification: Uncertain significance for Hypotonia, infantile, with psychomotor retardation and characteristic facies 2. Last evaluated: 2019-06-19. Review status: criteria provided, single submitter. Criteria: ACMG Guidelines, 2015. Collection method: clinical testing. Allele origin: unknown. Affected: yes.
Comment: This variant was determined to be of uncertain significance according to ACMG Guidelines, 2015 [PMID:25741868].

Eurofins Ntd Llc (ga)
Classification: Uncertain significance. Last evaluated: 2018-06-07. Review status: criteria provided, single submitter. Criteria: EGL ClinVar v180209 classification definitions. Collection method: clinical testing. Allele origin: germline. Observed: 1 variant allele, 1 heterozygote.